The following is an entry in ClinVar:

NM_000202.8(IDS):c.849G>C (p.Val283=)

Genes: IDS (iduronate 2-sulfatase; minus strand), LOC106050102 (IDS recombination region; plus strand). Cytogenetic location: Xq28.
Variant type: single nucleotide variant.
Coding change: c.849G>C on transcript NM_000202.8 (MANE Select); coding-DNA position 849, G replaced by C.
Protein change: p.Val283=; no amino-acid change (valine 283 retained).
Molecular consequence: synonymous variant. On other transcripts: non-coding transcript variant (1).
Genome position (GRCh38, 1-based): chrX:149,496,376, C>G on the plus strand (G>C on the coding strand, the complement: IDS is on the minus strand). VCF-style: chrX-149496376-C-G. GRCh37 (hg19) VCF-style: chrX-148577907-C-G.
Other names: c.849G>C (NM_000202.7); c.579G>C, p.Val193= (NM_001166550.4); c.849G>C, p.Val283= (NM_006123.5).
Identifiers: ClinVar variation 733577 (VCV000733577.37), dbSNP rs147374356, ClinGen allele CA10537591.
Genomic context (GRCh38, chrX:149,496,376, plus strand): 5'-CAATACATCCCCAAACTATGTCCTTGATACCTGAAAGTCCACAGGAATTGGACCATACGG[C>G]ACACTGATGTTTAAGGCTTGGACGTCTTCCCGTTGCCTGATGTCCATCCAGGGGTTGTAG-3'
Protein context (NP_000193.1, residues 273-293): REDVQALNIS[Val283=]PYGPIPVDFQ

ClinVar aggregate classification (germline): Benign/Likely benign. Review status: criteria provided, multiple submitters, no conflicts (2 of 4 stars). 5 submissions from 5 submitters: Benign (1); Likely benign (2). 2 of the submissions do not count toward it. Last evaluated 2025-11-18.

Conditions:
Mucopolysaccharidosis, MPS-II (MPS2). Also called: Attenuated MPS (subtype; formerly known as mild MPS II); Severe MPS II; I2S deficiency; MPS 2; Mucopolysaccharidosis type 2; IDS deficiency. Identifiers: Orphanet 580, Orphanet 79388, MedGen C0026705, MONDO:0010674, OMIM 309900.
IDS-related disorder. Also called: IDS-related condition.
Mucopolysaccharidosis, MPS-III-A (MPS3A). Also called: Mucopolysaccharidosis type IIIA (Sanfilippo A); MPS III A; MPS IIIA (Sanfilippo Syndrome Type A); HEPARAN SULFATE SULFATASE DEFICIENCY; SANFILIPPO SYNDROME A; SULFAMIDASE DEFICIENCY. Identifiers: Orphanet 581, Orphanet 79269, MedGen C0086647, MONDO:0009655, OMIM 252900.

Allele frequency attached by ClinVar (database versions not stated): gnomAD exomes 0.00011; ExAC 0.00013; TOPMed 0.00015; ESP Exome Variant Server 0.00019; gnomAD 0.00020 and 0.00021.
gnomAD v4.1: 171 of 1,210,009 alleles (0.014%); highest among the groups gnomAD compares: Non-Finnish European, 0.019%; no homozygotes.

Submissions (5):

Labcorp Genetics (formerly Invitae), Labcorp
Classification: Benign for Mucopolysaccharidosis, MPS-II. Last evaluated: 2025-11-18. Review status: criteria provided, single submitter. Criteria: Invitae Variant Classification Sherloc (09022015). Collection method: clinical testing. Allele origin: germline.

Laboratory of Genetics, Children's Clinical University Hospital Latvia
Classification: Likely benign. Last evaluated: 2025-02-16. Review status: criteria provided, single submitter. Criteria: ACMG Guidelines, 2015. Collection method: clinical testing. Allele origin: germline. Affected: yes.

CeGaT Center for Human Genetics Tuebingen
Classification: Likely benign. Last evaluated: 2024-10-01. Review status: criteria provided, single submitter. Criteria: CeGaT Center For Human Genetics Tuebingen Variant Classification Criteria Version 2. Collection method: clinical testing. Allele origin: germline. Affected: yes. Observed: 2 variant alleles.
Comment: IDS: BP4, BP7, BS2

Natera, Inc.
Classification: Likely benign for Mucopolysaccharidosis type IIIA. Last evaluated: 2020-02-27. Review status: no assertion criteria provided. Collection method: clinical testing. Allele origin: germline. Not counted in ClinVar's aggregate classification.

PreventionGenetics, part of Exact Sciences
Classification: Likely benign for IDS-related condition. Last evaluated: 2019-06-11. Review status: no assertion criteria provided. Collection method: clinical testing. Allele origin: germline. Not counted in ClinVar's aggregate classification.
Comment: This variant is classified as likely benign based on ACMG/AMP sequence variant interpretation guidelines (Richards et al. 2015 PMID: 25741868, with internal and published modifications).